The following is an entry in ClinVar:

ClinVar aggregate classification (germline): Pathogenic/Likely pathogenic. Review status: criteria provided, multiple submitters, no conflicts (2 of 4 stars). 8 submissions from 8 submitters: Pathogenic (2); Likely pathogenic (5). 1 of the submissions does not count toward it. Last evaluated 2026-03-04.

Conditions:
Perrault syndrome. Also called: Gonadal dysgenesis with auditory dysfunction, autosomal recessive inheritance. Identifiers: Orphanet 2855, MedGen C0685838, MONDO:0017312.
Bifunctional peroxisomal enzyme deficiency (DBIF). Also called: D-bifunctional protein deficiency; DBP DEFICIENCY; PBFE DEFICIENCY. Identifiers: Orphanet 300, MedGen C0342870, MONDO:0009855, OMIM 261515. Disease mechanism: loss of function.
Inborn genetic diseases. Identifiers: MedGen C0950123, MeSH D030342.
Perrault syndrome 1 (PRLTS1). Also called: GONADAL DYSGENESIS, XX TYPE, WITH DEAFNESS; OVARIAN DYSGENESIS WITH SENSORINEURAL DEAFNESS. Identifiers: Orphanet 2855, Orphanet 642945, MedGen C4551721, MONDO:0009300, OMIM 233400.

Allele frequency attached by ClinVar (database versions not stated): TOPMed 0.00003.
gnomAD v4.1: 13 of 1,610,502 alleles (0.00081%); highest among the groups gnomAD compares: African/African-American, 0.004%; no homozygotes.

Submissions (8):

GeneDx
Classification: Pathogenic. Last evaluated: 2026-03-04. Review status: criteria provided, single submitter. Criteria: GeneDx Variant Classification Process June 2021. Collection method: clinical testing. Allele origin: germline.
Comment: Nonsense variant predicted to result in protein truncation or nonsense mediated decay in a gene for which loss of function is a known mechanism of disease; Not observed at significant frequency in large population cohorts (gnomAD); Has not been previously published as pathogenic or benign to our knowledge

Natera, Inc.
Classification: Likely pathogenic for Bifunctional peroxisomal enzyme deficiency. Last evaluated: 2025-10-05. Review status: criteria provided, single submitter. Criteria: Natera Variant Classification Schema (03/2026). Collection method: clinical testing. Allele origin: germline.
Comment: The c.67C>T variant in HSD17B4 is a nonsense variant predicted to introduce a stop codon at amino acid 23. This variant is expected to result in nonsense mediated decay, truncation, or a dysfunctional protein product. This variant is rare in the general population with a frequency below the threshold expected for the associated phenotype(s). Given the available evidence, this variant is classified as Likely Pathogenic.

Fulgent Genetics
Classification: Likely pathogenic for Perrault syndrome 1; Bifunctional peroxisomal enzyme deficiency. Last evaluated: 2024-05-14. Review status: criteria provided, single submitter. Criteria: ACMG Guidelines, 2015. Collection method: clinical testing. Allele origin: germline.

Labcorp Genetics (formerly Invitae), Labcorp
Classification: Pathogenic for Perrault syndrome; Bifunctional peroxisomal enzyme deficiency. Last evaluated: 2024-03-07. Review status: criteria provided, single submitter. Criteria: Invitae Variant Classification Sherloc (09022015). Collection method: clinical testing. Allele origin: germline.
Comment: This sequence change creates a premature translational stop signal (p.Arg23*) in the HSD17B4 gene. It is expected to result in an absent or disrupted protein product. Loss-of-function variants in HSD17B4 are known to be pathogenic (PMID: 11810648, 16385454, 20673864). This variant is present in population databases (rs765702241, gnomAD 0.007%). This variant has not been reported in the literature in individuals affected with HSD17B4-related conditions. ClinVar contains an entry for this variant (Variation ID: 371607). For these reasons, this variant has been classified as Pathogenic.

Baylor Genetics
Classification: Likely pathogenic for Bifunctional peroxisomal enzyme deficiency. Last evaluated: 2024-01-01. Review status: criteria provided, single submitter. Criteria: ACMG Guidelines, 2015. Collection method: clinical testing. Allele origin: unknown.

Ambry Genetics
Classification: Likely pathogenic for Inborn genetic diseases. Last evaluated: 2020-12-08. Review status: criteria provided, single submitter. Criteria: Ambry Variant Classification Scheme 2023. Collection method: clinical testing. Allele origin: germline.
Comment: The c.67C>T (p.R23*) alteration, located in exon 2 (coding exon 2) of the HSD17B4 gene, consists of a C to T substitution at nucleotide position 67. This changes the amino acid from an arginine (R) to a stop codon at amino acid position 23. The predicted stop codon occurs within the first 150 nucleotides of the HSD17B4 gene. This alteration may escape nonsense-mediated mRNA decay and/or be rescued by re-initiation (Rivas, 2015; Lindeboom, 2016; Rhee, 2017). However, a significant portion of the protein is affected and the impacted region is critical for protein function (Ambry internal data). In addition, other 5' frameshift truncations have been reported in patients with peroxisomal D-bifunctional protein (DBP) deficiency (Amor, 2016). Based on data from the Genome Aggregation Database (gnomAD) database, the HSD17B4 c.67C>T alteration was observed in 0.0008% (2/251,446) of total alleles studied, with a frequency of 0.006% (1/16,256) in the African subpopulation. Based on the available evidence, this alteration is classified as likely pathogenic.

Juno Genomics, Hangzhou Juno Genomics, Inc
Classification: Likely pathogenic for Bifunctional peroxisomal enzyme deficiency; Perrault syndrome 1. Review status: criteria provided, single submitter. Criteria: ACMG Guidelines, 2015. Collection method: clinical testing. Allele origin: germline.
Comment: Null variant in a gene where loss of function (LOF) is a known mechanism of disease.;Absent from controls (or at extremely low frequency if recessive) in Genome Aggregation Database.

Counsyl
Classification: Likely pathogenic for Bifunctional peroxisomal enzyme deficiency. Last evaluated: 2016-11-04. Review status: no assertion criteria provided. Collection method: clinical testing. Allele origin: unknown. Not counted in ClinVar's aggregate classification.

Literature cited by the submitters: PubMed 11810648 (cited by Labcorp Genetics (formerly Invitae), Labcorp); PubMed 16385454 (cited by Labcorp Genetics (formerly Invitae), Labcorp); PubMed 20673864 (cited by Labcorp Genetics (formerly Invitae), Labcorp); PubMed 25954003 (cited by Ambry Genetics); PubMed 27618451 (cited by Ambry Genetics); PubMed 27790638 (cited by Ambry Genetics); PubMed 28490743 (cited by Ambry Genetics).

NM_000414.4(HSD17B4):c.67C>T (p.Arg23Ter)

Gene: HSD17B4 (hydroxysteroid 17-beta dehydrogenase 4; plus strand). Cytogenetic location: 5q23.1.
Variant type: single nucleotide variant.
Coding change: c.67C>T on transcript NM_000414.4 (MANE Select); coding-DNA position 67, C replaced by T.
Protein change: p.Arg23Ter; replaces arginine 23 with a stop codon.
Molecular consequence: nonsense. On other transcripts: missense variant (1), 5 prime UTR variant (2), intron variant (1).
Genome position (GRCh38, 1-based): chr5:119,456,323, C>T. VCF-style: chr5-119456323-C-T. GRCh37 (hg19) VCF-style: chr5-118792018-C-T.
Other names: c.77C>T, p.Pro26Leu (NM_001199291.3); c.-71C>T (NM_001292027.2); c.-345C>T (NM_001292028.2); c.58+3690C>T (NM_001199292.2); short protein forms P26L, R23*.
Identifiers: ClinVar variation 371607 (VCV000371607.16), dbSNP rs765702241, ClinGen allele CA3381653.